The following is an entry in ClinVar:

ClinVar aggregate classification (germline): Benign/Likely benign. Review status: criteria provided, multiple submitters, no conflicts (2 of 4 stars). 10 submissions from 9 submitters: Benign (5); Likely benign (2). 3 of the submissions do not count toward it. Last evaluated 2026-02-01.

Conditions:
Distal arthrogryposis type 2B1 (DA2B1). Also called: Arthrogryposis multiplex congenita distal type II with craniofacial abnormalities. Identifiers: Orphanet 1147, MedGen C5193014, MONDO:0020820, OMIM 601680.
Freeman-Sheldon syndrome (DA2A). Also called: CRANIOCARPOTARSAL DYSPLASIA; CRANIOCARPOTARSAL DYSTROPHY; Arthrogryposis, distal, type 2A (Freeman-Sheldon); WHISTLING FACE-WINDMILL VANE HAND SYNDROME. Identifiers: Orphanet 2053, MedGen C0265224, MONDO:0008675, OMIM 193700.

Allele frequency attached by ClinVar (database versions not stated): gnomAD exomes 0.00210 and 0.00590; ExAC 0.00713; gnomAD 0.02011 and 0.02138; TOPMed 0.02208; 1000 Genomes Project 0.02276; 1000 Genomes Project 30x 0.02467; ESP Exome Variant Server 0.02568.
gnomAD v4.1: 6,287 of 1,614,128 alleles (0.39%); highest among the groups gnomAD compares: African/African-American, 6.9%; 175 homozygotes.

Submissions (10):

Labcorp Genetics (formerly Invitae), Labcorp
Classification: Benign. Last evaluated: 2026-02-01. Review status: criteria provided, single submitter. Criteria: Invitae Variant Classification Sherloc (09022015). Collection method: clinical testing. Allele origin: germline.

GeneDx
Classification: Benign. Last evaluated: 2021-04-03. Review status: criteria provided, single submitter. Criteria: GeneDx Variant Classification Process June 2021. Collection method: clinical testing. Allele origin: germline. Affected: yes.

Illumina Laboratory Services, Illumina
Classification: Benign for Distal arthrogryposis type 2B1. Last evaluated: 2018-01-13. Review status: criteria provided, single submitter. Criteria: ICSL Variant Classification Criteria 13 December 2019. Collection method: clinical testing. Allele origin: germline.
Comment: This variant was observed in the ICSL laboratory as part of a predisposition screen in an ostensibly healthy population. It had not been previously curated by ICSL or reported in the Human Gene Mutation Database (HGMD: prior to June 1st, 2018), and was therefore a candidate for classification through an automated scoring system. Utilizing variant allele frequency, disease prevalence and penetrance estimates, and inheritance mode, an automated score was calculated to assess if this variant is too frequent to cause the disease. Based on the score and internal cut-off values, a variant classified as benign is not then subjected to further curation. The score for this variant resulted in a classification of benign for this disease.

Illumina Laboratory Services, Illumina
Classification: Benign for Freeman-Sheldon syndrome. Last evaluated: 2018-01-13. Review status: criteria provided, single submitter. Criteria: ICSL Variant Classification Criteria 13 December 2019. Collection method: clinical testing. Allele origin: germline.
Comment: the same text as in the submission from Illumina Laboratory Services, Illumina above.

Center for Pediatric Genomic Medicine, Children's Mercy Hospital and Clinics
Classification: Benign. Last evaluated: 2015-10-27. Review status: criteria provided, single submitter. Criteria: ACMG Guidelines, 2015. Collection method: clinical testing. Allele origin: germline.

Breakthrough Genomics
Classification: Likely benign. Review status: criteria provided, single submitter. Criteria: ACMG Guidelines, 2015. Collection method: not provided. Allele origin: germline. Inheritance: Autosomal recessive inheritance. Affected: yes.

PreventionGenetics, part of Exact Sciences
Classification: Likely benign. Review status: criteria provided, single submitter. Criteria: ACMG Guidelines, 2015. Collection method: clinical testing. Allele origin: germline.

Clinical Genetics, Academic Medical Center
Classification: Benign. Review status: no assertion criteria provided. Collection method: clinical testing. Allele origin: germline. Affected: yes. Study: VKGL Data-share Consensus. Not counted in ClinVar's aggregate classification.

Genetic Services Laboratory, University of Chicago
Classification: Likely benign for AllHighlyPenetrant. Review status: no assertion criteria provided. Collection method: clinical testing. Allele origin: germline. Inheritance: Autosomal dominant inheritance. Not counted in ClinVar's aggregate classification.
Comment: Likely benign based on allele frequency in 1000 Genomes Project or ESP global frequency and its presence in a patient with a rare or unrelated disease phenotype. NOT Sanger confirmed.

Joint Genome Diagnostic Labs from Nijmegen and Maastricht, Radboudumc and MUMC+
Classification: Benign. Review status: no assertion criteria provided. Collection method: clinical testing. Allele origin: germline. Affected: yes. Study: VKGL Data-share Consensus. Not counted in ClinVar's aggregate classification.

NM_002470.4(MYH3):c.3938C>T (p.Thr1313Ile)

Gene: MYH3 (myosin heavy chain 3; minus strand). Cytogenetic location: 17p13.1.
Variant type: single nucleotide variant.
Coding change: c.3938C>T on transcript NM_002470.4 (MANE Select); coding-DNA position 3938, C replaced by T.
Protein change: p.Thr1313Ile; replaces threonine 1313 with isoleucine.
Molecular consequence: missense variant.
Genome position (GRCh38, 1-based): chr17:10,635,772, G>A on the plus strand (C>T on the coding strand, the complement: MYH3 is on the minus strand). VCF-style: chr17-10635772-G-A. GRCh37 (hg19) VCF-style: chr17-10539089-G-A.
Other names: short protein forms T1313I.
Identifiers: ClinVar variation 129660 (VCV000129660.28), dbSNP rs35230241, ClinGen allele CA153797.